The following is an entry in ClinVar:

NM_000038.6(APC):c.3757T>A (p.Ser1253Thr)

Gene: APC (APC regulator of Wnt signaling pathway; plus strand). Cytogenetic location: 5q22.2.
Variant type: single nucleotide variant.
Coding change: c.3757T>A on transcript NM_000038.6 (MANE Select); coding-DNA position 3757, T replaced by A.
Protein change: p.Ser1253Thr; replaces serine 1253 with threonine.
Molecular consequence: missense variant. On other transcripts: non-coding transcript variant (2).
Genome position (GRCh38, 1-based): chr5:112,839,351, T>A. VCF-style: chr5-112839351-T-A. GRCh37 (hg19) VCF-style: chr5-112175048-T-A.
Other names: c.3757T>A, p.Ser1253Thr (NM_001127510.3, NM_001354895.2, NM_001407450.1); c.3703T>A, p.Ser1235Thr (NM_001127511.3); c.3811T>A, p.Ser1271Thr (NM_001354896.2, NM_001407447.1, NM_001407448.1 and 1 more transcripts); c.3787T>A, p.Ser1263Thr (NM_001354897.2); c.3682T>A, p.Ser1228Thr (NM_001354898.2); c.3673T>A, p.Ser1225Thr (NM_001354899.2); c.3634T>A, p.Ser1212Thr (NM_001354900.2); c.3580T>A, p.Ser1194Thr (NM_001354901.2, NM_001407453.1); and 11 more; short protein forms S1225T, S1235T, S1281T, S1152T, S1162T, S1170T, S1194T, S1228T.
Identifiers: ClinVar variation 2774969 (VCV002774969.2), dbSNP rs2149898439, ClinGen allele CA16029572.

ClinVar aggregate classification (germline): Uncertain significance (1 of 4 stars; one submission).

Conditions:
Hereditary cancer-predisposing syndrome. Also called: Neoplastic Syndromes, Hereditary; Tumor predisposition; Hereditary Cancer Syndrome; Hereditary neoplastic syndrome. Identifiers: Orphanet 140162, MedGen C0027672, MeSH D009386, MONDO:0015356.

gnomAD v4.1: 4 of 1,613,158 alleles (0.00025%); highest among the groups gnomAD compares: Non-Finnish European, 0.00034%; no homozygotes.

Submission:

Color Diagnostics, LLC DBA Color Health
Classification: Uncertain significance for Hereditary cancer-predisposing syndrome. Last evaluated: 2022-12-13. Review status: criteria provided, single submitter. Criteria: ACMG Guidelines, 2015. Collection method: clinical testing. Allele origin: germline.
Comment: This missense variant replaces serine with threonine at codon 1253 of the APC protein. Computational prediction suggests that this variant may not impact protein structure and function (internally defined REVEL score threshold <= 0.5, PMID: 27666373). To our knowledge, functional studies have not been reported for this variant. This variant has not been reported in individuals affected with APC-related disorders in the literature. This variant has not been identified in the general population by the Genome Aggregation Database (gnomAD). The available evidence is insufficient to determine the role of this variant in disease conclusively. Therefore, this variant is classified as a Variant of Uncertain Significance.